The following is an entry in ClinVar:

NM_181882.3(PRX):c.2215G>A (p.Asp739Asn)

Gene: PRX (periaxin; minus strand). Cytogenetic location: 19q13.2.
Variant type: single nucleotide variant.
Coding change: c.2215G>A on transcript NM_181882.3 (MANE Select); coding-DNA position 2215, G replaced by A.
Protein change: p.Asp739Asn; replaces aspartic acid 739 with asparagine.
Molecular consequence: missense variant. On other transcripts: 3 prime UTR variant (1).
Genome position (GRCh38, 1-based): chr19:40,396,137, C>T on the plus strand (G>A on the coding strand, the complement: PRX is on the minus strand). VCF-style: chr19-40396137-C-T. GRCh37 (hg19) VCF-style: chr19-40902044-C-T.
Other names: c.*2420G>A (NM_020956.2); short protein forms D739N.
Identifiers: ClinVar variation 329268 (VCV000329268.14), dbSNP rs779294844, ClinGen allele CA9444109.

ClinVar aggregate classification (germline): Uncertain significance. Review status: criteria provided, multiple submitters, no conflicts (2 of 4 stars). 5 submissions from 5 submitters: Uncertain significance (5). Last evaluated 2026-09-04.

Conditions:
Charcot-Marie-Tooth disease type 4. Also called: Charcot-Marie-Tooth disease, type IV; Charcot-Marie-Tooth, Type 4. Identifiers: Orphanet 64749, MedGen C4082197, MONDO:0018995.
Charcot-Marie-Tooth disease type 4F. Also called: Charcot-Marie-Tooth disease, demyelinating, type 4F. Identifiers: Orphanet 99952, MedGen C3540453, MONDO:0013959, OMIM 614895.
PRX-related disorder. Also called: PRX-Related Disorders; PRX-related condition.
Inborn genetic diseases. Identifiers: MedGen C0950123, MeSH D030342.

Allele frequency attached by ClinVar (database versions not stated): TOPMed 0.00002.
gnomAD v4.1: 21 of 1,613,714 alleles (0.0013%); highest among the groups gnomAD compares: East Asian, 0.0022%; 1 homozygote.

Submissions (5):

PreventionGenetics, part of Exact Sciences
Classification: Uncertain significance for PRX-related condition. Last evaluated: 2026-09-04. Review status: criteria provided, single submitter. Criteria: ACMG Guidelines, 2015. Collection method: clinical testing. Allele origin: germline.
Comment: The PRX c.2215G>A variant is predicted to result in the amino acid substitution p.Asp739Asn. To our knowledge, this variant has not been reported in the literature. This variant is reported in 0.0053% of alleles in individuals of European (non-Finnish) descent in gnomAD. At this time, the clinical significance of this variant is uncertain due to the absence of conclusive functional and genetic evidence.

GeneDx
Classification: Uncertain significance. Last evaluated: 2026-01-06. Review status: criteria provided, single submitter. Criteria: GeneDx Variant Classification Process June 2021. Collection method: clinical testing. Allele origin: germline. Affected: yes.
Comment: Not observed at significant frequency in large population cohorts (gnomAD); In silico analysis supports that this missense variant has a deleterious effect on protein structure/function; Has not been previously published as pathogenic or benign to our knowledge

Labcorp Genetics (formerly Invitae), Labcorp
Classification: Uncertain significance for Charcot-Marie-Tooth disease type 4. Last evaluated: 2022-07-17. Review status: criteria provided, single submitter. Criteria: Invitae Variant Classification Sherloc (09022015). Collection method: clinical testing. Allele origin: germline.
Comment: This sequence change replaces aspartic acid, which is acidic and polar, with asparagine, which is neutral and polar, at codon 739 of the PRX protein (p.Asp739Asn). This variant is present in population databases (rs779294844, gnomAD 0.005%). This variant has not been reported in the literature in individuals affected with PRX-related conditions. ClinVar contains an entry for this variant (Variation ID: 329268). Algorithms developed to predict the effect of missense changes on protein structure and function are either unavailable or do not agree on the potential impact of this missense change (SIFT: "Tolerated"; PolyPhen-2: "Possibly Damaging"; Align-GVGD: "Class C0"). In summary, the available evidence is currently insufficient to determine the role of this variant in disease. Therefore, it has been classified as a Variant of Uncertain Significance.

Ambry Genetics
Classification: Uncertain significance for Inborn genetic diseases. Last evaluated: 2020-02-01. Review status: criteria provided, single submitter. Criteria: Ambry Variant Classification Scheme 2023. Collection method: clinical testing. Allele origin: germline.
Comment: The p.D739N variant (also known as c.2215G>A), located in coding exon 4 of the PRX gene, results from a G to A substitution at nucleotide position 2215. The aspartic acid at codon 739 is replaced by asparagine, an amino acid with highly similar properties. This amino acid position is not well conserved in available vertebrate species. In addition, this alteration is predicted to be tolerated by in silico analysis. Since supporting evidence is limited at this time, the clinical significance of this alteration remains unclear.

Illumina Laboratory Services, Illumina
Classification: Uncertain significance for Charcot-Marie-Tooth disease type 4F. Last evaluated: 2018-01-13. Review status: criteria provided, single submitter. Criteria: ICSL Variant Classification Criteria 13 December 2019. Collection method: clinical testing. Allele origin: germline.